The following is an entry in ClinVar:

ClinVar aggregate classification (germline): Uncertain significance. Review status: criteria provided, multiple submitters, no conflicts (2 of 4 stars). 3 submissions from 3 submitters: Uncertain significance (3). Last evaluated 2025-09-10.

Conditions:
Charcot-Marie-Tooth disease type 2. Also called: Charcot-Marie-Tooth type 2. Identifiers: Orphanet 64746, MedGen C0270914, MONDO:0018993.

Allele frequency attached by ClinVar (database versions not stated): ExAC 0.00001; gnomAD 0.00001; gnomAD exomes 0.00002; TOPMed 0.00002.
gnomAD v4.1: 13 of 1,614,012 alleles (0.00081%); highest among the groups gnomAD compares: Admixed American, 0.0017%; no homozygotes.

Submissions (3):

Labcorp Genetics (formerly Invitae), Labcorp
Classification: Uncertain significance for Charcot-Marie-Tooth disease type 2. Last evaluated: 2025-09-10. Review status: criteria provided, single submitter. Criteria: Invitae Variant Classification Sherloc (09022015). Collection method: clinical testing. Allele origin: germline.
Comment: This sequence change replaces asparagine, which is neutral and polar, with lysine, which is basic and polar, at codon 170 of the AARS protein (p.Asn170Lys). This variant is present in population databases (rs775904247, gnomAD 0.002%). This missense change has been observed in individual(s) with AARS-related conditions (PMID: 24627108). ClinVar contains an entry for this variant (Variation ID: 239034). Invitae Evidence Modeling of protein sequence and biophysical properties (such as structural, functional, and spatial information, amino acid conservation, physicochemical variation, residue mobility, and thermodynamic stability) indicates that this missense variant is not expected to disrupt AARS protein function with a negative predictive value of 95%. In summary, the available evidence is currently insufficient to determine the role of this variant in disease. Therefore, it has been classified as a Variant of Uncertain Significance.

Blueprint Genetics
Classification: Uncertain significance. Last evaluated: 2023-10-04. Review status: criteria provided, single submitter. Criteria: ACMG Guidelines, 2015. Collection method: clinical testing. Allele origin: germline.

Breakthrough Genomics
Classification: Uncertain significance. Review status: criteria provided, single submitter. Criteria: ACMG Guidelines, 2015. Collection method: not provided. Allele origin: germline. Inheritance: Autosomal recessive inheritance. Affected: yes.

Literature cited by the submitters: PubMed 24627108 (cited by Labcorp Genetics (formerly Invitae), Labcorp).

NM_001605.3(AARS1):c.510C>A (p.Asn170Lys)

Gene: AARS1 (alanyl-tRNA synthetase 1; minus strand). Cytogenetic location: 16q22.1.
Variant type: single nucleotide variant.
Coding change: c.510C>A on transcript NM_001605.3 (MANE Select); coding-DNA position 510, C replaced by A.
Protein change: p.Asn170Lys; replaces asparagine 170 with lysine.
Molecular consequence: missense variant.
Genome position (GRCh38, 1-based): chr16:70,271,942, G>T on the plus strand (C>A on the coding strand, the complement: AARS1 is on the minus strand). VCF-style: chr16-70271942-G-T. GRCh37 (hg19) VCF-style: chr16-70305845-G-T.
Other names: short protein forms N170K.
Identifiers: ClinVar variation 239034 (VCV000239034.8), dbSNP rs775904247, ClinGen allele CA8141112.